The following is an entry in ClinVar:

NM_002878.4(RAD51D):c.346G>T (p.Val116Leu)

Genes: RAD51L3-RFFL (RAD51L3-RFFL readthrough; minus strand), RAD51D (RAD51 paralog D; minus strand). Cytogenetic location: 17q12.
Variant type: single nucleotide variant.
Coding change: c.346G>T on transcript NM_002878.4 (MANE Select); coding-DNA position 346, G replaced by T.
Protein change: p.Val116Leu; replaces valine 116 with leucine.
Molecular consequence: missense variant. On other transcripts: non-coding transcript variant (1), intron variant (1).
Genome position (GRCh38, 1-based): chr17:35,107,122, C>A on the plus strand (G>T on the coding strand, the complement: RAD51D is on the minus strand). VCF-style: chr17-35107122-C-A. GRCh37 (hg19) VCF-style: chr17-33434141-C-A.
Other names: c.406G>T, p.Val136Leu (NM_001142571.2); c.145-641G>T (NM_133629.3); short protein forms V116L, V136L.
Identifiers: ClinVar variation 482197 (VCV000482197.7), dbSNP rs753009349, ClinGen allele CA399089409.

ClinVar aggregate classification (germline): Uncertain significance. Review status: criteria provided, multiple submitters, no conflicts (2 of 4 stars). 2 submissions from 2 submitters: Uncertain significance (2). Last evaluated 2026-02-19.

Conditions:
Breast-ovarian cancer, familial, susceptibility to, 4. Identifiers: Orphanet 145, MedGen C3280345, MONDO:0013669, OMIM 614291.
Hereditary cancer-predisposing syndrome. Also called: Tumor predisposition; Hereditary Cancer Syndrome; Neoplastic Syndromes, Hereditary; Hereditary neoplastic syndrome. Identifiers: Orphanet 140162, MedGen C0027672, MeSH D009386, MONDO:0015356.

gnomAD v4.1: 1 of 1,614,032 alleles (0.000062%); highest among the groups gnomAD compares: Non-Finnish European, 0.000085%; no homozygotes.

Submissions (2):

Ambry Genetics
Classification: Uncertain significance for Hereditary cancer-predisposing syndrome. Last evaluated: 2026-02-19. Review status: criteria provided, single submitter. Criteria: Ambry Variant Classification Scheme 2023. Collection method: clinical testing. Allele origin: germline.
Comment: The p.V116L variant (also known as c.346G>T) is located in coding exon 5 of the RAD51D gene. The valine at codon 116 is replaced by leucine, an amino acid with highly similar properties. This change occurs in the first base pair of coding exon 5. This amino acid position is well conserved in available vertebrate species. In addition, this alteration is predicted to be tolerated by in silico analysis. Based on the available evidence, the clinical significance of this variant remains unclear.

Baylor Genetics
Classification: Uncertain significance for Breast-ovarian cancer, familial, susceptibility to, 4. Last evaluated: 2023-12-17. Review status: criteria provided, single submitter. Criteria: ACMG Guidelines, 2015. Collection method: clinical testing. Allele origin: unknown.